The following is an entry in ClinVar:

ClinVar aggregate classification (germline): Benign (0 of 4 stars; one submission).

Conditions:
SLC30A8-related disorder. Also called: SLC30A8-related condition.

Allele frequency attached by ClinVar (database versions not stated): gnomAD exomes 0.00019; ExAC 0.00062; 1000 Genomes Project 30x 0.00109; 1000 Genomes Project 0.00120; gnomAD 0.00202; TOPMed 0.00215; ESP Exome Variant Server 0.00254.
gnomAD v4.1: 597 of 1,614,050 alleles (0.037%); highest among the groups gnomAD compares: African/African-American, 0.65%; 1 homozygote.

Submission:

PreventionGenetics, part of Exact Sciences
Classification: Benign for SLC30A8-related condition. Last evaluated: 2019-08-13. Review status: no assertion criteria provided. Collection method: clinical testing. Allele origin: germline.
Comment: This variant is classified as benign based on ACMG/AMP sequence variant interpretation guidelines (Richards et al. 2015 PMID: 25741868, with internal and published modifications).

NM_173851.3(SLC30A8):c.493C>T (p.Arg165Cys)

Gene: SLC30A8 (solute carrier family 30 member 8; plus strand). Cytogenetic location: 8q24.11.
Variant type: single nucleotide variant.
Coding change: c.493C>T on transcript NM_173851.3 (MANE Select); coding-DNA position 493, C replaced by T.
Protein change: p.Arg165Cys; replaces arginine 165 with cysteine.
Molecular consequence: missense variant.
Genome position (GRCh38, 1-based): chr8:117,157,765, C>T. VCF-style: chr8-117157765-C-T. GRCh37 (hg19) VCF-style: chr8-118170004-C-T.
Other names: c.346C>T, p.Arg116Cys (NM_001172811.2, NM_001172813.2, NM_001172814.2 and 1 more transcripts); short protein forms R116C, R165C.
Identifiers: ClinVar variation 3037198 (VCV003037198.2), dbSNP rs73317647, ClinGen allele CA4853561.